The following is an entry in ClinVar:

ClinVar aggregate classification (germline): Pathogenic (1 of 4 stars; one submission).

Submission:

Labcorp Genetics (formerly Invitae), Labcorp
Classification: Pathogenic. Last evaluated: 2022-04-08. Review status: criteria provided, single submitter. Criteria: Invitae Variant Classification Sherloc (09022015). Collection method: clinical testing. Allele origin: germline.
Comment: This variant has not been reported in the literature in individuals affected with ERCC8-related conditions. This variant is a gross deletion of the genomic region encompassing exon(s) 5-7 of the ERCC8 gene. This deletion is out-of-frame, and is expected to create a premature termination codon and result in an absent or disrupted protein product. Loss-of-function variants in ERCC8 are known to be pathogenic (PMID: 29572252). For these reasons, this variant has been classified as Pathogenic.

Literature cited by the submitters: PubMed 29572252.

NC_000005.9:g.(?_60198259)_(60200710_?)del

Gene: ERCC8 (ERCC excision repair 8, CSA ubiquitin ligase complex subunit; minus strand). Cytogenetic location: 5q12.1.
Variant type: Deletion.
Identifiers: ClinVar variation 2422321 (VCV002422321.3).